The following is an entry in ClinVar:

NM_001365088.1(SLC12A6):c.*2637A>G

Gene: SLC12A6 (solute carrier family 12 member 6; minus strand). Cytogenetic location: 15q14.
Variant type: single nucleotide variant.
Coding change: c.*2637A>G on transcript NM_001365088.1 (MANE Select); 2637 bases downstream of the stop codon, A replaced by G.
Molecular consequence: 3 prime UTR variant.
Genome position (GRCh38, 1-based): chr15:34,231,244, T>C on the plus strand (A>G on the coding strand, the complement: SLC12A6 is on the minus strand). VCF-style: chr15-34231244-T-C. GRCh37 (hg19) VCF-style: chr15-34523445-T-C.
Other names: c.*2637A>G (NM_001042494.2, NM_001042495.2, NM_001042496.2 and 3 more transcripts).
Identifiers: ClinVar variation 315565 (VCV000315565.5), dbSNP rs59712831, ClinGen allele CA10645666.
Genomic context (GRCh38, chr15:34,231,244, plus strand): 5'-GAAACCCCGTCTCTACTGAAAATACAAAATTAGCTGGGTGTGGTGGCACATGCTTGTAAT[T>C]CCAGCTACTCGGGAGGCTGAGGCAGGAGAATCGCTTGAACCCAGGAGGCAGAGGTTGCGG-3'

ClinVar aggregate classification (germline): Benign (1 of 4 stars; one submission).

Conditions:
Agenesis of the corpus callosum with peripheral neuropathy (ACCPN). Also called: CHARLEVOIX DISEASE; POLYNEUROPATHY, SENSORIMOTOR, WITH OR WITHOUT AGENESIS OF THE CORPUS CALLOSUM; HMSN/ACC; Hereditary Motor and Sensory Neuropathy with Agenesis of the Corpus Callosum. Identifiers: Orphanet 1496, MedGen C0795950, MONDO:0000902, OMIM 218000. Disease mechanism: loss of function.

Allele frequency attached by ClinVar (database versions not stated): gnomAD exomes 0.13830; gnomAD 0.16772 and 0.17175; TOPMed 0.17242; 1000 Genomes Project 30x 0.21049; 1000 Genomes Project 0.21526.
gnomAD v4.1: 26,173 of 152,196 alleles (17%); highest among the groups gnomAD compares: Middle Eastern, 30%; 2,318 homozygotes.

Submission:

Illumina Laboratory Services, Illumina
Classification: Benign for Agenesis of the corpus callosum with peripheral neuropathy. Last evaluated: 2018-01-12. Review status: criteria provided, single submitter. Criteria: ICSL Variant Classification Criteria 13 December 2019. Collection method: clinical testing. Allele origin: germline.
Comment: This variant was observed in the ICSL laboratory as part of a predisposition screen in an ostensibly healthy population. It had not been previously curated by ICSL or reported in the Human Gene Mutation Database (HGMD: prior to June 1st, 2018), and was therefore a candidate for classification through an automated scoring system. Utilizing variant allele frequency, disease prevalence and penetrance estimates, and inheritance mode, an automated score was calculated to assess if this variant is too frequent to cause the disease. Based on the score and internal cut-off values, a variant classified as benign is not then subjected to further curation. The score for this variant resulted in a classification of benign for this disease.